The following is an entry in ClinVar:

NM_203290.4(POLR1C):c.88C>G (p.Pro30Ala)

Gene: POLR1C (RNA polymerase I and III subunit C; plus strand). Cytogenetic location: 6p21.1.
Variant type: single nucleotide variant.
Coding change: c.88C>G on transcript NM_203290.4 (MANE Select); coding-DNA position 88, C replaced by G.
Protein change: p.Pro30Ala; replaces proline 30 with alanine.
Molecular consequence: missense variant.
Genome position (GRCh38, 1-based): chr6:43,517,324, C>G. VCF-style: chr6-43517324-C-G. GRCh37 (hg19) VCF-style: chr6-43485062-C-G.
Other names: c.88C>G, p.Pro30Ala (NM_001318876.2, NM_001363658.2); short protein forms P30A.
Identifiers: ClinVar variation 2585390 (VCV002585390.1), dbSNP rs1057519455, ClinGen allele CA364280060.
Genomic context (GRCh38, chr6:43,517,324, plus strand): 5'-GCTCACTGTCCCTTCGTGGACAAATTCGTCCCTTTGCTCTAGGTCCATACTACTGACTTT[C>G]CCGGTAACTATTCCGGTTATGATGATGCCTGGGACCAGGACCGCTTCGAGAAGGTAAGTG-3'
Protein context (NP_976035.1, residues 20-40): GVRNVHTTDF[Pro30Ala]GNYSGYDDAW

ClinVar aggregate classification (germline): Uncertain significance. Review status: criteria provided, multiple submitters, no conflicts (2 of 4 stars). 2 submissions from 2 submitters: Uncertain significance (2). Last evaluated 2023-07-14.

Conditions:
Leukodystrophy, hypomyelinating, 11. Identifiers: Orphanet 88637, MedGen C4225305, MONDO:0014666, OMIM 616494.

gnomAD v4.1: 1 of 1,614,114 alleles (0.000062%); highest among the groups gnomAD compares: South Asian, 0.0011%; no homozygotes.

Submissions (2):

Greenwood Genetic Center Diagnostic Laboratories, Greenwood Genetic Center
Classification: Uncertain significance. Last evaluated: 2023-07-14. Review status: criteria provided, single submitter. Criteria: ACMG Guidelines, 2015. Collection method: clinical testing. Allele origin: germline. Affected: yes.
Comment: PM2, PP3

Neuberg Centre For Genomic Medicine, NCGM
Classification: Uncertain significance for Leukodystrophy, hypomyelinating, 11. Review status: criteria provided, single submitter. Criteria: ACMG Guidelines, 2015. Collection method: clinical testing. Allele origin: germline. Inheritance: Autosomal recessive inheritance. Affected: yes.
Comment: The missense variant in c.88C>G (p.Pro30Ala) in POLR1C gene has not been reported previously as a pathogenic variant nor as a benign variant, to our knowledge. The p.Pro30Ala variant is novel (not in any individuals) in gnomAD Exomes and 1000 Genomes. The amino acid Pro at position 30 is changed to a Ala changing protein sequence and it might alter its composition and physico-chemical properties. The variant is predicted to be damaging by both SIFT and PolyPhen2. The residue is conserved across species. The amino acid change p.Pro30Ala in POLR1C is predicted as conserved by GERP++ and PhyloP across 100 vertebrates. For these reasons, this variant has been classified as Uncertain Significance. In the absence of another reportable variant the molecular diagnosis is not confirmed.